The following is an entry in ClinVar:

ClinVar aggregate classification (germline): Uncertain significance. Review status: criteria provided, multiple submitters, no conflicts (2 of 4 stars). 4 submissions from 4 submitters: Uncertain significance (4). Last evaluated 2025-10-09.

Conditions:
Inborn genetic diseases. Identifiers: MedGen C0950123, MeSH D030342.
KRIT1-related disorder. Also called: KRIT1-related condition; KRIT1-related disorders.

Allele frequency attached by ClinVar (database versions not stated): gnomAD exomes 0.00001 and 0.00002; ExAC 0.00003; gnomAD 0.00009 and 0.00011; TOPMed 0.00009; 1000 Genomes Project 30x 0.00016; 1000 Genomes Project 0.00020.
gnomAD v4.1: 24 of 1,605,296 alleles (0.0015%); highest among the groups gnomAD compares: African/African-American, 0.031%; no homozygotes.

Submissions (4):

Women's Health and Genetics/Laboratory Corporation of America, LabCorp
Classification: Uncertain significance. Last evaluated: 2025-10-09. Review status: criteria provided, single submitter. Criteria: LabCorp Variant Classification Summary - May 2015. Collection method: clinical testing. Allele origin: germline.
Comment: Variant summary: KRIT1 c.1264G>A (p.Val422Ile) results in a conservative amino acid change in the encoded protein sequence. Algorithms developed to predict the effect of missense changes on protein structure and function are either unavailable or do not agree on the potential impact of this missense change. The variant allele was found at a frequency of 2e-05 in 250722 control chromosomes. The available data on variant occurrences in the general population are insufficient to allow any conclusion about variant significance. To our knowledge, no occurrence of c.1264G>A in individuals affected with KRIT1-related conditions and no experimental evidence demonstrating its impact on protein function have been reported. ClinVar contains an entry for this variant (Variation ID: 590696). Based on the evidence outlined above, the variant was classified as uncertain significance.

Clinical Genomics Laboratory, Washington University in St. Louis
Classification: Uncertain significance for KRIT1-Related Disorders. Last evaluated: 2023-08-04. Review status: criteria provided, single submitter. Criteria: ACMG Guidelines, 2015. Collection method: clinical testing. Allele origin: germline.
Comment: The KRIT1 c.1264G>A (p.Val422Ile) variant was identified at a near heterozygous allelic fraction. The KRIT1 c.1264G>A (p.Val422Ile) variant, to our knowledge, has not been reported in the medical literature. This variant has been reported in the ClinVar database as a variant of uncertain significance by two submitters (ClinVar Variation ID: 590696). Computational predictors suggest that the variant does not impact KRIT1 function. Due to limited information and based on ACMG/AMP guidelines for variant interpretation (Richards S et al., PMID: 25741868), the clinical significance of this variant is uncertain at this time.

Ambry Genetics
Classification: Uncertain significance for Inborn genetic diseases. Last evaluated: 2023-02-15. Review status: criteria provided, single submitter. Criteria: Ambry Variant Classification Scheme 2023. Collection method: clinical testing. Allele origin: germline.

PreventionGenetics, part of Exact Sciences
Classification: Uncertain significance. Last evaluated: 2016-03-18. Review status: criteria provided, single submitter. Criteria: ACMG Guidelines, 2015. Collection method: clinical testing. Allele origin: germline.

NM_194454.3(KRIT1):c.1264G>A (p.Val422Ile)

Gene: KRIT1 (KRIT1 ankyrin repeat containing; minus strand). Cytogenetic location: 7q21.2.
Variant type: single nucleotide variant.
Coding change: c.1264G>A on transcript NM_194454.3 (MANE Select); coding-DNA position 1264, G replaced by A.
Protein change: p.Val422Ile; replaces valine 422 with isoleucine.
Molecular consequence: missense variant.
Genome position (GRCh38, 1-based): chr7:92,222,969, C>T on the plus strand (G>A on the coding strand, the complement: KRIT1 is on the minus strand). VCF-style: chr7-92222969-C-T. GRCh37 (hg19) VCF-style: chr7-91852283-C-T.
Other names: c.1120G>A, p.Val374Ile (NM_001013406.2, NM_001350669.1, NM_001350670.1); c.550G>A, p.Val184Ile (NM_001350671.1); c.1264G>A, p.Val422Ile (NM_001350672.1, NM_001350673.1, NM_001350674.1 and 26 more transcripts); short protein forms V422I, V184I, V374I.
Identifiers: ClinVar variation 590696 (VCV000590696.6), dbSNP rs139690878, ClinGen allele CA4339144.